The following is an entry in ClinVar:

NM_001368397.1(FRMPD4):c.1096C>A (p.Leu366Ile)

Gene: FRMPD4 (FERM and PDZ domain containing 4; plus strand). Cytogenetic location: Xp22.2.
Variant type: single nucleotide variant.
Coding change: c.1096C>A on transcript NM_001368397.1 (MANE Select); coding-DNA position 1096, C replaced by A.
Protein change: p.Leu366Ile; replaces leucine 366 with isoleucine.
Molecular consequence: missense variant.
Genome position (GRCh38, 1-based): chrX:12,704,384, C>A. VCF-style: chrX-12704384-C-A. GRCh37 (hg19) VCF-style: chrX-12722503-C-A.
Other names: c.1207C>A, p.Leu403Ile (NM_001368395.3, NM_001368398.3); c.1102C>A, p.Leu368Ile (NM_001368396.3); c.1087C>A, p.Leu363Ile (NM_001368399.3); c.976C>A, p.Leu326Ile (NM_001368400.3); c.1072C>A, p.Leu358Ile (NM_001368401.1, NM_001368402.3); c.1096C>A, p.Leu366Ile (NM_014728.3); short protein forms L326I, L358I, L363I, L366I, L368I, L403I.
Identifiers: ClinVar variation 3364221 (VCV003364221.2).
Genomic context (GRCh38, chrX:12,704,384, plus strand): 5'-GAAATGTGAAATTAAAGATATGCTCTTTATTGCAGAAAAGAATGGGGATTAGAGACTTTT[C>A]TTCCCTCTGCTGTGCTGCAAAGCATGAAAGAGAAGAACATAAAGAAAGCACTTTCACACC-3'
Protein context (NP_001355326.1, residues 356-376): IEKEWGLETF[Leu366Ile]PSAVLQSMKE

ClinVar aggregate classification (germline): Uncertain significance (1 of 4 stars; one submission).

gnomAD v4.1: 1 of 1,173,081 alleles (0.000085%); highest among the groups gnomAD compares: Non-Finnish European, 0.00012%; no homozygotes.

Submission:

GeneDx
Classification: Uncertain significance. Last evaluated: 2026-04-08. Review status: criteria provided, single submitter. Criteria: GeneDx Variant Classification Process June 2021. Collection method: clinical testing. Allele origin: germline.
Comment: Not observed at significant frequency in large population cohorts (gnomAD); In silico analysis suggests that this missense variant does not alter protein structure/function; Has not been previously published as pathogenic or benign to our knowledge